The following is an entry in ClinVar:

ClinVar aggregate classification (germline): Uncertain significance. Review status: criteria provided, multiple submitters, no conflicts (2 of 4 stars). 2 submissions from 2 submitters: Uncertain significance (2). Last evaluated 2026-07-02.

Conditions:
Familial adenomatous polyposis 1 (FAP1). Also called: FAMILIAL ADENOMATOUS POLYPOSIS 1, ATTENUATED; POLYPOSIS, ADENOMATOUS INTESTINAL. Identifiers: MedGen C2713442, MONDO:0021056, OMIM 175100. Disease mechanism: loss of function.
Hereditary cancer-predisposing syndrome. Also called: Hereditary neoplastic syndrome; Neoplastic Syndromes, Hereditary; Tumor predisposition; Hereditary Cancer Syndrome. Identifiers: Orphanet 140162, MedGen C0027672, MeSH D009386, MONDO:0015356.

Submissions (2):

Ambry Genetics
Classification: Uncertain significance for Hereditary cancer-predisposing syndrome. Last evaluated: 2026-07-02. Review status: criteria provided, single submitter. Criteria: Ambry Variant Classification Scheme 2023. Collection method: clinical testing. Allele origin: germline.
Comment: The p.K2196I variant (also known as c.6587A>T), located in coding exon 15 of the APC gene, results from an A to T substitution at nucleotide position 6587. The lysine at codon 2196 is replaced by isoleucine, an amino acid with dissimilar properties. This amino acid position is conserved. In addition, in silico predictors for this gene do not accurately predict pathogenicity. Based on the available evidence, the clinical significance of this variant remains unclear.

Labcorp Genetics (formerly Invitae), Labcorp
Classification: Uncertain significance for Familial adenomatous polyposis 1. Last evaluated: 2024-04-02. Review status: criteria provided, single submitter. Criteria: Invitae Variant Classification Sherloc (09022015). Collection method: clinical testing. Allele origin: germline.
Comment: This sequence change replaces lysine, which is basic and polar, with isoleucine, which is neutral and non-polar, at codon 2196 of the APC protein (p.Lys2196Ile). This variant is not present in population databases (gnomAD no frequency). This variant has not been reported in the literature in individuals affected with APC-related conditions. Advanced modeling of protein sequence and biophysical properties (such as structural, functional, and spatial information, amino acid conservation, physicochemical variation, residue mobility, and thermodynamic stability) performed at Invitae indicates that this missense variant is not expected to disrupt APC protein function with a negative predictive value of 95%. In summary, the available evidence is currently insufficient to determine the role of this variant in disease. Therefore, it has been classified as a Variant of Uncertain Significance.

NM_000038.6(APC):c.6587A>T (p.Lys2196Ile)

Gene: APC (APC regulator of Wnt signaling pathway; plus strand). Cytogenetic location: 5q22.2.
Variant type: single nucleotide variant.
Coding change: c.6587A>T on transcript NM_000038.6 (MANE Select); coding-DNA position 6587, A replaced by T.
Protein change: p.Lys2196Ile; replaces lysine 2196 with isoleucine.
Molecular consequence: missense variant. On other transcripts: non-coding transcript variant (2).
Genome position (GRCh38, 1-based): chr5:112,842,181, A>T. VCF-style: chr5-112842181-A-T. GRCh37 (hg19) VCF-style: chr5-112177878-A-T.
Other names: c.6587A>T, p.Lys2196Ile (NM_001127510.3, NM_001354895.2, NM_001407450.1); c.6533A>T, p.Lys2178Ile (NM_001127511.3); c.6641A>T, p.Lys2214Ile (NM_001354896.2, NM_001407447.1, NM_001407448.1 and 1 more transcripts); c.6617A>T, p.Lys2206Ile (NM_001354897.2); c.6512A>T, p.Lys2171Ile (NM_001354898.2); c.6503A>T, p.Lys2168Ile (NM_001354899.2); c.6464A>T, p.Lys2155Ile (NM_001354900.2); c.6410A>T, p.Lys2137Ile (NM_001354901.2, NM_001407453.1); and 12 more; short protein forms K2095I, K2155I, K2186I, K1913I, K2036I, K2105I, K2137I, K2171I.
Identifiers: ClinVar variation 3631449 (VCV003631449.3).